The following is an entry in ClinVar:

NM_022552.5(DNMT3A):c.1868_1877del (p.Tyr623fs)

Gene: DNMT3A (DNA methyltransferase 3 alpha; minus strand). Cytogenetic location: 2p23.3.
Variant type: Deletion.
Coding change: c.1868_1877del on transcript NM_022552.5 (MANE Select); coding-DNA positions 1868 to 1877, 10 bases deleted (ACCCACCTGT; older notation c.1868_1877delACCCACCTGT).
Protein change: p.Tyr623fs; shifts the reading frame from tyrosine 623.
Molecular consequence: frameshift variant. On other transcripts: non-coding transcript variant (1).
Genome position (GRCh38, 1-based): chr2:25,243,957-25,243,966, ACAGGTGGGT deleted on the plus strand (ACCCACCTGT on the coding strand, the reverse complement: DNMT3A is on the minus strand); deleting any 10 consecutive bases within chr2:25,243,957-25,243,967 gives the same sequence; the c. name uses the placement nearest the transcript's 3' end. VCF-style (leftmost placement, unchanged base first): chr2-25243956-GACAGGTGGGT-G. GRCh37 (hg19) VCF-style: chr2-25466825-GACAGGTGGGT-G.
Other names: c.1412_1421del, p.Tyr471fs (NM_001320893.1); c.1199_1208del, p.Tyr400fs (NM_001375819.1); c.1301_1310del, p.Tyr434fs (NM_153759.3); c.1868_1877del, p.Tyr623fs (NM_175629.2); short protein forms Y400fs, Y434fs, Y471fs, Y623fs.
Identifiers: ClinVar variation 5019555 (VCV005019555.2).

ClinVar aggregate classification (germline): Likely pathogenic (1 of 4 stars; one submission).

Conditions:
Tatton-Brown-Rahman overgrowth syndrome. Also called: Tall stature-intellectual disability-facial dysmorphism syndrome; Tatton-Brown-Rahman syndrome. Identifiers: Orphanet 404443, MedGen C4014545, MONDO:0014382, OMIM 615879.

Submission:

Juno Genomics, Hangzhou Juno Genomics, Inc
Classification: Likely pathogenic for Tatton-Brown-Rahman overgrowth syndrome. Review status: criteria provided, single submitter. Criteria: ACMG Guidelines, 2015. Collection method: clinical testing. Allele origin: germline.
Comment: Absent from controls (or at extremely low frequency if recessive) in Genome Aggregation Database.;Null variant in a gene where loss of function (LOF) is a known mechanism of disease.